The following is an entry in ClinVar:

ClinVar aggregate classification (germline): Uncertain significance (1 of 4 stars; one submission).

gnomAD v4.1: 1 of 1,533,490 alleles (0.000065%); highest among the groups gnomAD compares: Non-Finnish European, 0.000088%; no homozygotes.

Submission:

GeneDx
Classification: Uncertain significance. Last evaluated: 2024-11-26. Review status: criteria provided, single submitter. Criteria: GeneDx Variant Classification Process June 2021. Collection method: clinical testing. Allele origin: germline. Affected: yes.
Comment: Not observed at significant frequency in large population cohorts (gnomAD); In silico analysis supports that this missense variant has a deleterious effect on protein structure/function; Has not been previously published as pathogenic or benign to our knowledge

NM_001393504.1(MAST3):c.3617T>G (p.Leu1206Arg)

Gene: MAST3 (microtubule associated serine/threonine kinase 3; plus strand). Cytogenetic location: 19p13.11.
Variant type: single nucleotide variant.
Coding change: c.3617T>G on transcript NM_001393504.1 (MANE Select); coding-DNA position 3617, T replaced by G.
Protein change: p.Leu1206Arg; replaces leucine 1206 with arginine.
Molecular consequence: missense variant.
Genome position (GRCh38, 1-based): chr19:18,149,299, T>G. VCF-style: chr19-18149299-T-G. GRCh37 (hg19) VCF-style: chr19-18260109-T-G.
Other names: c.3641T>G, p.Leu1214Arg (NM_001393501.1); c.3620T>G, p.Leu1207Arg (NM_001393502.1); c.3617T>G, p.Leu1206Arg (NM_001393503.1); c.3587T>G, p.Leu1196Arg (NM_001393505.1); c.3569T>G, p.Leu1190Arg (NM_001393506.1, NM_001393507.1); c.3551T>G, p.Leu1184Arg (NM_001393508.1); c.3548T>G, p.Leu1183Arg (NM_001393509.1, NM_001393510.1); c.3545T>G, p.Leu1182Arg (NM_001393511.1, NM_001393512.1); and 9 more; short protein forms L1159R, L1167R, L1168R, L1173R, L1174R, L1175R, L1176R, L1177R.
Identifiers: ClinVar variation 3900864 (VCV003900864.1).